The following is an entry in ClinVar:

ClinVar aggregate classification (germline): Uncertain significance (1 of 4 stars; one submission).

gnomAD v4.1: 3 of 1,613,892 alleles (0.00019%); highest among the groups gnomAD compares: East Asian, 0.0022%; no homozygotes.

Submission:

Mayo Clinic Laboratories, Mayo Clinic
Classification: Uncertain significance. Last evaluated: 2022-02-25. Review status: criteria provided, single submitter. Criteria: ACMG Guidelines, 2015. Collection method: clinical testing. Allele origin: germline. Observed: 1 variant allele.
Comment: BP4, PM2

NM_015102.5(NPHP4):c.3292G>T (p.Ala1098Ser)

Gene: NPHP4 (nephrocystin 4; minus strand). Cytogenetic location: 1p36.31.
Variant type: single nucleotide variant.
Coding change: c.3292G>T on transcript NM_015102.5 (MANE Select); coding-DNA position 3292, G replaced by T.
Protein change: p.Ala1098Ser; replaces alanine 1098 with serine.
Molecular consequence: missense variant. On other transcripts: non-coding transcript variant (1).
Genome position (GRCh38, 1-based): chr1:5,873,275, C>A on the plus strand (G>T on the coding strand, the complement: NPHP4 is on the minus strand). VCF-style: chr1-5873275-C-A. GRCh37 (hg19) VCF-style: chr1-5933335-C-A.
Other names: p.Ala1098Ser; c.1753G>T, p.Ala585Ser (NM_001291593.2); c.1756G>T, p.Ala586Ser (NM_001291594.2); short protein forms A1098S, A585S, A586S.
Identifiers: ClinVar variation 2683690 (VCV002683690.1), dbSNP rs41280798, ClinGen allele CA338054506.